The following is an entry in ClinVar:

ClinVar aggregate classification (germline): Likely pathogenic. Review status: reviewed by expert panel (3 of 4 stars). 6 submissions from 6 submitters: Likely pathogenic (1). 5 of the submissions do not count toward it. Last evaluated 2023-04-14.

Conditions:
CDKL5 disorder. Identifiers: MedGen CN296942, MONDO:0100039.
Developmental and epileptic encephalopathy, 2 (DEE2). Also called: CDKL5 deficiency disorder; INFANTILE SPASM SYNDROME, X-LINKED 2. Identifiers: Orphanet 1934, Orphanet 3451, Orphanet 505652, MedGen C4750718, MONDO:0010396, OMIM 300672.
Angelman syndrome-like. Identifiers: MedGen CN128785.

Submissions (6):

ClinGen Rett and Angelman-like Disorders Variant Curation Expert Panel
Classification: Likely pathogenic for CDKL5 disorder. Last evaluated: 2023-04-14. Review status: reviewed by expert panel. Criteria: ClinGen RettAS ACMG Specifications V2. Collection method: curation. Allele origin: germline. Inheritance: X-linked inheritance.
Comment: The p.Ala157Val variant in CDKL5 is absent from gnomAD (PM2_supporting). Computational prediction analysis tools suggests a deleterious impact; however, this information does not predict clinical significance on its own (PP3). The p.Ala157Val variant has been observed in individuals reported to have Rett syndrome or CDKL5 Deficiency disorder, however, additional clinical and segregation information was not provided (PMID: 32472944; 31313283) (PS4_supporting_met, PP4_not met). A pathogenic missense variant (p.Ala157Pro) has been previously identified within this codon which indicates that this residue is critical to the function of the protein (Invitae internal database). In summary, the p.Ala157Val variant in CDKL5 is classified as likely pathogenic for CDKL5-related disorder based on the ACMG/AMP criteria (PS2, PP3, PM2_supporting, PS4_supporting,PM5).

Victorian Clinical Genetics Services, Murdoch Childrens Research Institute
Classification: Likely pathogenic for Developmental and epileptic encephalopathy, 2. Last evaluated: 2021-05-06. Review status: criteria provided, single submitter. Criteria: ACMG Guidelines, 2015. Collection method: clinical testing. Allele origin: germline. Inheritance: Autosomal dominant inheritance. Not counted in ClinVar's aggregate classification.
Comment: Based on the classification scheme VCGS_Germline_v1.3.4, this variant is classified as Likely pathogenic. Following criteria are met: 0102 - Loss of function is a known mechanism of disease in this gene and is associated with developmental and epileptic encephalopathy 2 (MIM#300672). (I) 0110 - This gene is associated with X-linked dominant disease. (I) 0200 - Variant is predicted to result in a missense amino acid change from alanine to valine. (I) 0251 - This variant is heterozygous. (I) 0301 - Variant is absent from gnomAD (both v2 and v3). (SP) 0502 - Missense variant with conflicting in silico predictions and uninformative conservation. (I) 0601 - Variant is located within the well-established functional A-loop of the catalytic domain. Many pathogenic missense variants are located within this domain, which also displays a high intolerance to missense variation in gnomAD (NCBI, Decipher, PMID: 29264392). (SP) 0705 - No comparable missense variants have previous evidence for pathogenicity. (I) 0809 - Previous evidence of pathogenicity for this variant is inconclusive. This variant has been reported twice as a VUS (ClinVar). (I) 0905 - No published segregation evidence has been identified for this variant. (I) 1007 - No published functional evidence has been identified for this variant. (SP) Legend: (SP) - Supporting pathogenic, (I) - Information, (SB) - Supporting benign

GeneDx
Classification: Likely pathogenic. Last evaluated: 2021-03-31. Review status: criteria provided, single submitter. Criteria: GeneDx Variant Classification Process June 2021. Collection method: clinical testing. Allele origin: germline. Affected: yes. Not counted in ClinVar's aggregate classification.
Comment: Reported in individuals in published literature with CDKL5-related disorders, but detailed clinical information and segregation information were not provided (Demarest et al., 2019; Cutri-French et al., 2020); Not observed in large population cohorts (Lek et al., 2016); In silico analysis supports that this missense variant has a deleterious effect on protein structure/function; This variant is associated with the following publications: (PMID: 32472944, 31313283)

Labcorp Genetics (formerly Invitae), Labcorp
Classification: Uncertain significance for Developmental and epileptic encephalopathy, 2; Angelman syndrome-like. Last evaluated: 2021-03-12. Review status: criteria provided, single submitter. Criteria: Invitae Variant Classification Sherloc (09022015). Collection method: clinical testing. Allele origin: germline. Not counted in ClinVar's aggregate classification.
Comment: This variant has been observed in individual(s) with CDKL5-related conditions (PMID: 31313283). ClinVar contains an entry for this variant (Variation ID: 217360). In summary, the available evidence is currently insufficient to determine the role of this variant in disease. Therefore, it has been classified as a Variant of Uncertain Significance. Advanced modeling of protein sequence and biophysical properties (such as structural, functional, and spatial information, amino acid conservation, physicochemical variation, residue mobility, and thermodynamic stability) performed at Invitae indicates that this missense variant is expected to disrupt CDKL5 protein function. This variant is not present in population databases (ExAC no frequency). This sequence change replaces alanine with valine at codon 157 of the CDKL5 protein (p.Ala157Val). The alanine residue is highly conserved and there is a small physicochemical difference between alanine and valine.

CeGaT Center for Human Genetics Tuebingen
Classification: Uncertain significance. Last evaluated: 2016-12-01. Review status: criteria provided, single submitter. Criteria: CeGaT Center For Human Genetics Tuebingen Variant Classification Criteria Version 2. Collection method: clinical testing. Allele origin: germline. Affected: yes. Observed: 1 variant allele. Not counted in ClinVar's aggregate classification.

Genomic Diagnostic Laboratory, Division of Genomic Diagnostics, Children's Hospital of Philadelphia
Classification: Uncertain significance. Last evaluated: 2015-02-13. Review status: no assertion criteria provided. Collection method: clinical testing. Allele origin: germline. Not counted in ClinVar's aggregate classification.

Literature cited by the submitters: PubMed 29264392 (cited by Victorian Clinical Genetics Services, Murdoch Childrens Research Institute); PubMed 31313283 (cited by Labcorp Genetics (formerly Invitae), Labcorp).

NM_001323289.2(CDKL5):c.470C>T (p.Ala157Val)

Gene: CDKL5 (cyclin dependent kinase like 5; plus strand). Cytogenetic location: Xp22.13.
Variant type: single nucleotide variant.
Coding change: c.470C>T on transcript NM_001323289.2 (MANE Select); coding-DNA position 470, C replaced by T.
Protein change: p.Ala157Val; replaces alanine 157 with valine.
Molecular consequence: missense variant.
Genome position (GRCh38, 1-based): chrX:18,584,269, C>T. VCF-style: chrX-18584269-C-T. GRCh37 (hg19) VCF-style: chrX-18602389-C-T.
Other names: NM_001323289.2(CDKL5):c.470C>T; p.Ala157Val; c.470C>T, p.Ala157Val (NM_001037343.2, NM_003159.3); short protein forms A157V.
Identifiers: ClinVar variation 217360 (VCV000217360.59), dbSNP rs863225066, ClinGen allele CA279171.
Genomic context (GRCh38, chrX:18,584,269, plus strand): 5'-ATGAATTATTATTTCTTTTTCAAAGTTACAACTTTGGACTTTGCTATCTTTCAGGTTTTG[C>T]TCGTAATCTGTCAGAAGGCAATAATGCTAATTACACAGAGTACGTTGCCACCAGATGGTA-3'
Protein context (NP_001310218.1, residues 147-167): DVLKLCDFGF[Ala157Val]RNLSEGNNAN